The following is an entry in ClinVar:

ClinVar aggregate classification (germline): Uncertain significance (1 of 4 stars; one submission).

Conditions:
Intellectual developmental disorder, autosomal dominant 44, with microcephaly. Also called: Micrognathia-recurrent infections-behavioral abnormalities-mild intellectual disability syndrome; TRIO-Related Intellectual Disability. Identifiers: Orphanet 476126, MedGen C4310740, MONDO:0014892, OMIM 617061.

Submission:

Baylor Genetics
Classification: Uncertain significance for Intellectual developmental disorder, autosomal dominant 44, with microcephaly. Last evaluated: 2020-06-03. Review status: criteria provided, single submitter. Criteria: ACMG Guidelines, 2015. Collection method: clinical testing. Allele origin: unknown. Affected: yes.
Comment: This variant was determined to be of uncertain significance according to ACMG Guidelines, 2015 [PMID:25741868].

NM_007118.4(TRIO):c.5980-14C>G

Gene: TRIO (trio Rho guanine nucleotide exchange factor; plus strand). Cytogenetic location: 5p15.2.
Variant type: single nucleotide variant.
Coding change: c.5980-14C>G on transcript NM_007118.4 (MANE Select); 14 bases into the intron before coding-DNA position 5980, C replaced by G.
Molecular consequence: intron variant.
Genome position (GRCh38, 1-based): chr5:14,473,980, C>G. VCF-style: chr5-14473980-C-G. GRCh37 (hg19) VCF-style: chr5-14474089-C-G.
Identifiers: ClinVar variation 1031142 (VCV001031142.1), dbSNP rs1420875369, ClinGen allele CA1528764040.